The following is an entry in ClinVar:

NM_000393.5(COL5A2):c.2488C>T (p.Arg830Trp)

Gene: COL5A2 (collagen type V alpha 2 chain; minus strand). Cytogenetic location: 2q32.2.
Variant type: single nucleotide variant.
Coding change: c.2488C>T on transcript NM_000393.5 (MANE Select); coding-DNA position 2488, C replaced by T.
Protein change: p.Arg830Trp; replaces arginine 830 with tryptophan.
Molecular consequence: missense variant.
Genome position (GRCh38, 1-based): chr2:189,053,906, G>A on the plus strand (C>T on the coding strand, the complement: COL5A2 is on the minus strand). VCF-style: chr2-189053906-G-A. GRCh37 (hg19) VCF-style: chr2-189918632-G-A.
Other names: short protein forms R830W.
Identifiers: ClinVar variation 519667 (VCV000519667.10), dbSNP rs778544623, ClinGen allele CA2022305.

ClinVar aggregate classification (germline): Conflicting classifications of pathogenicity. Review status: criteria provided, conflicting classifications (1 of 4 stars). 2 submissions from 2 submitters: Uncertain significance (1); Likely benign (1). Last evaluated 2024-07-12.

Conditions:
Ehlers-Danlos syndrome, classic type, 1 (EDSCL1). Also called: Ehlers-Danlos Syndrome, Classic Type, COL5A1-Related; EDS I; Ehlers-Danlos syndrome, type 1; EHLERS-DANLOS SYNDROME, GRAVIS TYPE; EHLERS-DANLOS SYNDROME, SEVERE CLASSIC TYPE. Identifiers: MedGen C0268335, MONDO:0019567, OMIM 130000.
Familial thoracic aortic aneurysm and aortic dissection (TAAD). Also called: Thoracic aortic aneurysms and dissections. Identifiers: Orphanet 91387, MedGen C4707243, MONDO:0019625.

Allele frequency attached by ClinVar (database versions not stated): TOPMed 0.00003; ExAC 0.00004; gnomAD 0.00001; gnomAD exomes 0.00003.
gnomAD v4.1: 47 of 1,613,696 alleles (0.0029%); highest among the groups gnomAD compares: Middle Eastern, 0.016%; no homozygotes.

Submissions (2):

Labcorp Genetics (formerly Invitae), Labcorp
Classification: Likely benign for Ehlers-Danlos syndrome, classic type, 1. Last evaluated: 2024-07-12. Review status: criteria provided, single submitter. Criteria: Invitae Variant Classification Sherloc (09022015). Collection method: clinical testing. Allele origin: germline.

Ambry Genetics
Classification: Uncertain significance for Familial thoracic aortic aneurysm and aortic dissection. Last evaluated: 2021-05-20. Review status: criteria provided, single submitter. Criteria: Ambry Variant Classification Scheme 2023. Collection method: clinical testing. Allele origin: germline.
Comment: The p.R830W variant (also known as c.2488C>T), located in coding exon 37 of the COL5A2 gene, results from a C to T substitution at nucleotide position 2488. The arginine at codon 830 is replaced by tryptophan, an amino acid with dissimilar properties. This amino acid position is well conserved in available vertebrate species. In addition, this alteration is predicted to be deleterious by in silico analysis. Since supporting evidence is limited at this time, the clinical significance of this alteration remains unclear.